The following is an entry in ClinVar:

NM_000276.4(OCRL):c.939+8G>A

Gene: OCRL (OCRL inositol polyphosphate-5-phosphatase; plus strand). Cytogenetic location: Xq26.1.
Variant type: single nucleotide variant.
Coding change: c.939+8G>A on transcript NM_000276.4 (MANE Select); 8 bases into the intron after coding-DNA position 939, G replaced by A.
Molecular consequence: intron variant.
Genome position (GRCh38, 1-based): chrX:129,561,301, G>A. VCF-style: chrX-129561301-G-A. GRCh37 (hg19) VCF-style: chrX-128695278-G-A.
Other names: c.942+8G>A (NM_001318784.2); c.939+8G>A (NM_001587.4).
Identifiers: ClinVar variation 1554532 (VCV001554532.12), dbSNP rs369386155, ClinGen allele CA10512104.

ClinVar aggregate classification (germline): Benign/Likely benign. Review status: criteria provided, multiple submitters, no conflicts (2 of 4 stars). 2 submissions from 2 submitters: Benign (1); Likely benign (1). Last evaluated 2026-02-01.

Conditions:
Lowe syndrome (OCRL). Also called: LOWE OCULOCEREBRORENAL SYNDROME; Oculocerebrorenal Syndrome; PHOSPHATIDYLINOSITOL 4,5-BISPHOSPHATE 5-PHOSPHATASE DEFICIENCY. Identifiers: Orphanet 534, MedGen C0028860, MONDO:0010645, OMIM 309000.

Allele frequency attached by ClinVar (database versions not stated): ExAC 0.00002; ESP Exome Variant Server 0.00009; gnomAD exomes 0.00011.
gnomAD v4.1: 47 of 1,064,609 alleles (0.0044%); highest among the groups gnomAD compares: Admixed American, 0.044%; no homozygotes.

Submissions (2):

CeGaT Center for Human Genetics Tuebingen
Classification: Likely benign. Last evaluated: 2026-02-01. Review status: criteria provided, single submitter. Criteria: CeGaT Center For Human Genetics Tuebingen Variant Classification Criteria Version 2. Collection method: clinical testing. Allele origin: germline. Affected: yes. Observed: 1 variant allele.
Comment: OCRL: BP4, BS2

Labcorp Genetics (formerly Invitae), Labcorp
Classification: Benign for Lowe syndrome. Last evaluated: 2026-01-25. Review status: criteria provided, single submitter. Criteria: Invitae Variant Classification Sherloc (09022015). Collection method: clinical testing. Allele origin: germline.